The following is an entry in ClinVar:

NM_000238.4(KCNH2):c.3099_3112del (p.Pro1034fs)

Gene: KCNH2 (potassium voltage-gated channel subfamily H member 2; minus strand). Cytogenetic location: 7q36.1.
Variant type: Deletion.
Coding change: c.3099_3112del on transcript NM_000238.4 (MANE Select); coding-DNA positions 3099 to 3112, 14 bases deleted (GCCCCGGGGCGACG).
Protein change: p.Pro1034fs; shifts the reading frame from proline 1034.
Molecular consequence: frameshift variant.
Genome position (GRCh38, 1-based): chr7:150,947,368-150,947,381, CGTCGCCCCGGGGC deleted on the plus strand (GCCCCGGGGCGACG on the coding strand, the reverse complement: KCNH2 is on the minus strand); deleting any 14 consecutive bases within chr7:150,947,368-150,947,383 gives the same sequence; the c. name uses the placement nearest the transcript's 3' end. VCF-style (leftmost placement, unchanged base first): chr7-150947367-ACGTCGCCCCGGGGC-A. GRCh37 (hg19) VCF-style: chr7-150644455-ACGTCGCCCCGGGGC-A.
Other names: c.2079_2092del, p.Pro694fs (NM_172057.3); short protein forms P1034fs, P694fs.
Identifiers: ClinVar variation 420585 (VCV000420585.15), dbSNP rs1554424044, ClinGen allele CA16618397.

ClinVar aggregate classification (germline): Pathogenic/Likely pathogenic. Review status: criteria provided, multiple submitters, no conflicts (2 of 4 stars). 3 submissions from 3 submitters: Pathogenic (2); Likely pathogenic (1). Last evaluated 2019-12-24.

Conditions:
Long QT syndrome (LQTS). Identifiers: MedGen C0023976, MeSH D008133, MONDO:0002442. Disease mechanism: loss of function. Inheritance: Various modes of inheritance.
Cardiac arrhythmia. Also called: Arrhythmia; Cardiac rhythm disease. Identifiers: MedGen C0003811, MONDO:0007263, HP:0011675.

Submissions (3):

Women's Health and Genetics/Laboratory Corporation of America, LabCorp
Classification: Likely pathogenic for Arrhythmia. Last evaluated: 2019-12-24. Review status: criteria provided, single submitter. Criteria: LabCorp Variant Classification Summary - May 2015. Collection method: clinical testing. Allele origin: germline.
Comment: Variant summary: KCNH2 c.3099_3112del14 (p.Pro1034GlyfsX80) results in a premature termination codon, predicted to cause a truncation of the encoded protein or absence of the protein due to nonsense mediated decay, which are commonly known mechanisms for disease. The variant was absent in 147328 control chromosomes (gnomAD). c.3099_3112del14 has been reported in the literature in one individual who may be affected with long QT syndrome (Kapplinger_2009). These data do not allow any conclusion about variant significance. To our knowledge, no experimental evidence demonstrating an impact on protein function has been reported. One ClinVar submitter (evaluation after 2014) cites the variant as pathogenic. Based on the evidence outlined above, the variant was classified as likely pathogenic.

Labcorp Genetics (formerly Invitae), Labcorp
Classification: Pathogenic for Long QT syndrome. Last evaluated: 2019-12-18. Review status: criteria provided, single submitter. Criteria: Invitae Variant Classification Sherloc (09022015). Collection method: clinical testing. Allele origin: germline.
Comment: This sequence change results in a premature translational stop signal in the KCNH2 gene (p.Pro1034Glyfs*80). While this is not anticipated to result in nonsense mediated decay, it is expected to disrupt the last 126 amino acids of the KCNH2 protein. The frequency data for this variant in the population databases is considered unreliable, as metrics indicate insufficient coverage at this position in the ExAC database. This variant has been observed in individual(s) with clinical features of long QT syndrome (PMID: 19716085). This variant is also described as 3099_3112delGCCCCGGGGCGACG (R1033fs+79X) in the literature. ClinVar contains an entry for this variant (Variation ID: 420585). This variant disrupts the C-terminus of the KCNH2 protein. Other variant(s) that disrupt this region (p.Ala1124Glyfs*146) have been determined to be pathogenic (PMID: 15572050). This suggests that variants that disrupt this region of the protein are likely to be causative of disease. For these reasons, this variant has been classified as Pathogenic.

GeneDx
Classification: Pathogenic. Last evaluated: 2016-12-15. Review status: criteria provided, single submitter. Criteria: GeneDx Variant Classification (06012015). Collection method: clinical testing. Allele origin: germline. Affected: yes.
Comment: The c.3099_3112del14 pathogenic variant in the KCNH2 gene has been reported previously in one individual who was referred for LQTS genetic testing; however, detailed clinical information was not provided (Kapplinger et al., 2009). The c.3099_3112del14 variant was not observed in 2,600 published control alleles (Kapplinger et al., 2009) or in the Exome Aggregation Consortium, indicating it is not a common benign variant. This variant causes a shift in reading frame starting at codon Proline 1034, changing it to an Glycine, and creating a premature stop codon at position 80 of the new reading frame, denoted p.Pro1034GlyfsX80. This pathogenic variant is expected to result in a prematurely truncated protein product, as the last 126 amino acid residues are replaced with 79 incorrect amino acid residues. Other frameshift variants in the KCNH2 gene have been reported in the Human Gene Mutation Database in association with LQTS, including several that are downstream of this variant (Stenson et al., 2014).Therefore, the presence of the c.3099_3112del14 pathogenic variant in the KCNH2 gene is consistent with a diagnosis of LQTS.

Literature cited by the submitters: PubMed 19716085 (cited by Women's Health and Genetics/Laboratory Corporation of America, LabCorp and Labcorp Genetics (formerly Invitae), Labcorp); PubMed 19841300 (cited by Women's Health and Genetics/Laboratory Corporation of America, LabCorp); PubMed 24530480 (cited by Women's Health and Genetics/Laboratory Corporation of America, LabCorp); PubMed 15572050 (cited by Labcorp Genetics (formerly Invitae), Labcorp).